The following is an entry in ClinVar:

ClinVar aggregate classification (germline): Likely benign. Review status: criteria provided, multiple submitters, no conflicts (2 of 4 stars). 2 submissions from 2 submitters: Likely benign (2). Last evaluated 2026-07-01.

Allele frequency attached by ClinVar (database versions not stated): ExAC 0.00004; gnomAD 0.00005; TOPMed 0.00005; ESP Exome Variant Server 0.00015.
gnomAD v4.1: 224 of 1,614,068 alleles (0.014%); highest among the groups gnomAD compares: Non-Finnish European, 0.018%; no homozygotes.

Submissions (2):

CeGaT Center for Human Genetics Tuebingen
Classification: Likely benign. Last evaluated: 2026-07-01. Review status: criteria provided, single submitter. Criteria: CeGaT Center For Human Genetics Tuebingen Variant Classification Criteria Version 2. Collection method: clinical testing. Allele origin: germline. Affected: yes. Observed: 1 variant allele.
Comment: NAXE: BP4, BP7

Labcorp Genetics (formerly Invitae), Labcorp
Classification: Likely benign. Last evaluated: 2024-04-01. Review status: criteria provided, single submitter. Criteria: Invitae Variant Classification Sherloc (09022015). Collection method: clinical testing. Allele origin: germline.

NM_144772.3(NAXE):c.597G>A (p.Pro199=)

Gene: NAXE (NAD(P)HX epimerase; plus strand). Cytogenetic location: 1q22.
Variant type: single nucleotide variant.
Coding change: c.597G>A on transcript NM_144772.3 (MANE Select); coding-DNA position 597, G replaced by A.
Protein change: p.Pro199=; no amino-acid change (proline 199 retained).
Molecular consequence: synonymous variant.
Genome position (GRCh38, 1-based): chr1:156,593,488, G>A. VCF-style: chr1-156593488-G-A. GRCh37 (hg19) VCF-style: chr1-156563280-G-A.
Identifiers: ClinVar variation 747124 (VCV000747124.7), dbSNP rs148479602, ClinGen allele CA1162840.